The following is an entry in ClinVar:

NM_006941.4(SOX10):c.559G>C (p.Glu187Gln)

Genes: POLR2F (RNA polymerase II, I and III subunit F; plus strand), SOX10 (SRY-box transcription factor 10; minus strand). Cytogenetic location: 22q13.1.
Variant type: single nucleotide variant.
Coding change: c.559G>C on transcript NM_006941.4 (MANE Select); coding-DNA position 559, G replaced by C.
Protein change: p.Glu187Gln; replaces glutamic acid 187 with glutamine.
Molecular consequence: missense variant. On other transcripts: intron variant (3).
Genome position (GRCh38, 1-based): chr22:37,978,005, C>G on the plus strand (G>C on the coding strand, the complement: SOX10 is on the minus strand). VCF-style: chr22-37978005-C-G. GRCh37 (hg19) VCF-style: chr22-38374012-C-G.
Other names: c.*38+5695C>G (NM_001363825.1); c.294-8149C>G (NM_001301130.2); c.293+10835C>G (NM_001301131.2); short protein forms E187Q.
Identifiers: ClinVar variation 2572783 (VCV002572783.1), dbSNP rs1431927888, ClinGen allele CA411497676.

ClinVar aggregate classification (germline): Uncertain significance (1 of 4 stars; one submission).

gnomAD v4.1: 3 of 1,611,672 alleles (0.00019%); highest among the groups gnomAD compares: Non-Finnish European, 0.00025%; no homozygotes.

Submission:

GeneDx
Classification: Uncertain significance. Last evaluated: 2023-01-11. Review status: criteria provided, single submitter. Criteria: GeneDx Variant Classification Process June 2021. Collection method: clinical testing. Allele origin: germline. Affected: yes.
Comment: Not observed at significant frequency in large population cohorts (gnomAD); In silico analysis supports that this missense variant does not alter protein structure/function; Has not been previously published as pathogenic or benign to our knowledge